The following is an entry in ClinVar:

NM_000037.4(ANK1):c.3486C>T (p.Ser1162=)

Gene: ANK1 (ankyrin 1; minus strand). Cytogenetic location: 8p11.21.
Variant type: single nucleotide variant.
Coding change: c.3486C>T on transcript NM_000037.4 (MANE Select); coding-DNA position 3486, C replaced by T.
Protein change: p.Ser1162=; no amino-acid change (serine 1162 retained).
Molecular consequence: synonymous variant.
Genome position (GRCh38, 1-based): chr8:41,693,944, G>A on the plus strand (C>T on the coding strand, the complement: ANK1 is on the minus strand). VCF-style: chr8-41693944-G-A. GRCh37 (hg19) VCF-style: chr8-41551462-G-A.
Other names: p.Ser1162=; c.3609C>T, p.Ser1203= (NM_001142446.2); c.3486C>T, p.Ser1162= (NM_020475.3, NM_020476.3, NM_020477.3).
Identifiers: ClinVar variation 261306 (VCV000261306.29), dbSNP rs35964634, ClinGen allele CA4727864.

ClinVar aggregate classification (germline): Benign. Review status: criteria provided, multiple submitters, no conflicts (2 of 4 stars). 8 submissions from 7 submitters: Benign (8). Last evaluated 2026-02-01.

Conditions:
Hereditary spherocytosis type 1. Also called: Spherocytosis type 1; ANK1-Related Spherocytosis. Identifiers: Orphanet 822, MedGen C2674218, MONDO:0008447, OMIM 182900.
Spherocytosis. Identifiers: MedGen C0553720, HP:0004444.

Allele frequency attached by ClinVar (database versions not stated): gnomAD exomes 0.01219 and 0.00487; gnomAD 0.04182 and 0.03941; TOPMed 0.04310; 1000 Genomes Project 30x 0.04591; ESP Exome Variant Server 0.04175; 1000 Genomes Project 0.04453; ExAC 0.01610.
gnomAD v4.1: 13,451 of 1,613,590 alleles (0.83%); highest among the groups gnomAD compares: African/African-American, 13%; 688 homozygotes.

Submissions (8):

Labcorp Genetics (formerly Invitae), Labcorp
Classification: Benign. Last evaluated: 2026-02-01. Review status: criteria provided, single submitter. Criteria: Invitae Variant Classification Sherloc (09022015). Collection method: clinical testing. Allele origin: germline.

ARUP Laboratories, Molecular Genetics and Genomics, ARUP Laboratories
Classification: Benign for Hereditary spherocytosis type 1. Last evaluated: 2025-07-24. Review status: criteria provided, single submitter. Criteria: ARUP Molecular Germline Variant Investigation Process 2024. Collection method: clinical testing. Allele origin: germline.

Mayo Clinic Laboratories, Mayo Clinic
Classification: Benign. Last evaluated: 2022-06-06. Review status: criteria provided, single submitter. Criteria: ACMG Guidelines, 2015. Collection method: clinical testing. Allele origin: germline. Observed: 167 variant alleles.
Comment: BA1, BP4, BP7

Genome-Nilou Lab
Classification: Benign for Hereditary spherocytosis type 1. Last evaluated: 2021-12-05. Review status: criteria provided, single submitter. Criteria: ACMG Guidelines, 2015. Collection method: clinical testing. Allele origin: germline. Affected: no.

Illumina Laboratory Services, Illumina
Classification: Benign for Hereditary spherocytosis type 1. Last evaluated: 2018-01-13. Review status: criteria provided, single submitter. Criteria: ICSL Variant Classification Criteria 13 December 2019. Collection method: clinical testing. Allele origin: germline.
Comment: This variant was observed in the ICSL laboratory as part of a predisposition screen in an ostensibly healthy population. It had not been previously curated by ICSL or reported in the Human Gene Mutation Database (HGMD: prior to June 1st, 2018), and was therefore a candidate for classification through an automated scoring system. Utilizing variant allele frequency, disease prevalence and penetrance estimates, and inheritance mode, an automated score was calculated to assess if this variant is too frequent to cause the disease. Based on the score and internal cut-off values, a variant classified as benign is not then subjected to further curation. The score for this variant resulted in a classification of benign for this disease.

Illumina Laboratory Services, Illumina
Classification: Benign for Spherocytosis. Last evaluated: 2018-01-13. Review status: criteria provided, single submitter. Criteria: ICSL Variant Classification Criteria 13 December 2019. Collection method: clinical testing. Allele origin: germline.
Comment: the same text as in the submission from Illumina Laboratory Services, Illumina above.

Breakthrough Genomics
Classification: Benign. Review status: criteria provided, single submitter. Criteria: ACMG Guidelines, 2015. Collection method: not provided. Allele origin: germline. Inheritance: Autosomal dominant inheritance. Affected: yes.

PreventionGenetics, part of Exact Sciences
Classification: Benign. Review status: criteria provided, single submitter. Criteria: ACMG Guidelines, 2015. Collection method: clinical testing. Allele origin: germline.